The following is an entry in ClinVar:

ClinVar aggregate classification (germline): Uncertain significance (1 of 4 stars; one submission).

Conditions:
Hereditary cancer-predisposing syndrome. Also called: Neoplastic Syndromes, Hereditary; Tumor predisposition; Hereditary neoplastic syndrome; Hereditary Cancer Syndrome. Identifiers: Orphanet 140162, MedGen C0027672, MeSH D009386, MONDO:0015356.

Submission:

Ambry Genetics
Classification: Uncertain significance for Hereditary cancer-predisposing syndrome. Last evaluated: 2019-03-20. Review status: criteria provided, single submitter. Criteria: Ambry Variant Classification Scheme 2023. Collection method: clinical testing. Allele origin: germline.
Comment: The p.C157F variant (also known as c.470G>T), located in coding exon 4 of the ATM gene, results from a G to T substitution at nucleotide position 470. The cysteine at codon 157 is replaced by phenylalanine, an amino acid with highly dissimilar properties. This amino acid position is highly conserved in available vertebrate species. In addition, this alteration is predicted to be deleterious by in silico analysis. Since supporting evidence is limited at this time, the clinical significance of this alteration remains unclear.

NM_000051.4(ATM):c.470G>T (p.Cys157Phe)

Gene: ATM (ATM serine/threonine kinase; plus strand). Cytogenetic location: 11q22.3.
Variant type: single nucleotide variant.
Coding change: c.470G>T on transcript NM_000051.4 (MANE Select); coding-DNA position 470, G replaced by T.
Protein change: p.Cys157Phe; replaces cysteine 157 with phenylalanine.
Molecular consequence: missense variant.
Genome position (GRCh38, 1-based): chr11:108,235,808, G>T. VCF-style: chr11-108235808-G-T. GRCh37 (hg19) VCF-style: chr11-108106535-G-T.
Other names: c.470G>T, p.Cys157Phe (NM_001351834.2); short protein forms C157F.
Identifiers: ClinVar variation 825114 (VCV000825114.4), dbSNP rs1591475486, ClinGen allele CA382525528.